The following is an entry in ClinVar:

ClinVar aggregate classification (germline): Uncertain significance (1 of 4 stars; one submission).

Conditions:
Hereditary pancreatitis (PCTT). Also called: Hereditary chronic pancreatitis; PRSS1-Related Hereditary Pancreatitis. Identifiers: Orphanet 676, MedGen C0238339, MONDO:0008185, OMIM 167800.

gnomAD v4.1: 2 of 1,614,094 alleles (0.00012%); highest among the groups gnomAD compares: East Asian, 0.0022%; no homozygotes.

Submission:

Ambry Genetics
Classification: Uncertain significance for Hereditary pancreatitis. Last evaluated: 2025-09-10. Review status: criteria provided, single submitter. Criteria: Ambry Variant Classification Scheme 2023. Collection method: clinical testing. Allele origin: germline.
Comment: The p.V231M variant (also known as c.691G>A), located in coding exon 7 of the CTRC gene, results from a G to A substitution at nucleotide position 691. The valine at codon 231 is replaced by methionine, an amino acid with highly similar properties. This amino acid position is conserved. In addition, this alteration is predicted to be deleterious by in silico analysis. Based on the available evidence, the clinical significance of this variant remains unclear.

NM_007272.3(CTRC):c.691G>A (p.Val231Met)

Gene: CTRC (chymotrypsin C; plus strand). Cytogenetic location: 1p36.21.
Variant type: single nucleotide variant.
Coding change: c.691G>A on transcript NM_007272.3 (MANE Select); coding-DNA position 691, G replaced by A.
Protein change: p.Val231Met; replaces valine 231 with methionine.
Molecular consequence: missense variant.
Genome position (GRCh38, 1-based): chr1:15,445,648, G>A. VCF-style: chr1-15445648-G-A. GRCh37 (hg19) VCF-style: chr1-15772143-G-A.
Other names: short protein forms V231M.
Identifiers: ClinVar variation 4235797 (VCV004235797.1).